The following is an entry in ClinVar:

NM_007289.4(MME):c.1241A>G (p.Tyr414Cys)

Gene: MME (membrane metalloendopeptidase; plus strand). Cytogenetic location: 3q25.2.
Variant type: single nucleotide variant.
Coding change: c.1241A>G on transcript NM_007289.4 (MANE Select); coding-DNA position 1241, A replaced by G.
Protein change: p.Tyr414Cys; replaces tyrosine 414 with cysteine.
Molecular consequence: missense variant.
Genome position (GRCh38, 1-based): chr3:155,143,495, A>G. VCF-style: chr3-155143495-A-G. GRCh37 (hg19) VCF-style: chr3-154861284-A-G.
Other names: c.1241A>G, p.Tyr414Cys (NM_000902.5, NM_001354642.2, NM_001354643.1 and 2 more transcripts); short protein forms Y414C.
Identifiers: ClinVar variation 870551 (VCV000870551.6), dbSNP rs202095767, ClinGen allele CA85829740.

ClinVar aggregate classification (germline): Conflicting classifications of pathogenicity. Review status: criteria provided, conflicting classifications (1 of 4 stars). 2 submissions from 2 submitters: Uncertain significance (1); Likely benign (1). Last evaluated 2022-07-12.

Conditions:
Early-onset dementia of unclear type.

Allele frequency attached by ClinVar (database versions not stated): gnomAD exomes below 0.00001 and 0.00003; gnomAD 0.00001; TOPMed 0.00001.

Submissions (2):

Labcorp Genetics (formerly Invitae), Labcorp
Classification: Uncertain significance. Last evaluated: 2022-07-12. Review status: criteria provided, single submitter. Criteria: Invitae Variant Classification Sherloc (09022015). Collection method: clinical testing. Allele origin: germline.
Comment: This sequence change replaces tyrosine, which is neutral and polar, with cysteine, which is neutral and slightly polar, at codon 414 of the MME protein (p.Tyr414Cys). This variant is present in population databases (rs202095767, gnomAD 0.0009%). This variant has not been reported in the literature in individuals affected with MME-related conditions. ClinVar contains an entry for this variant (Variation ID: 870551). Algorithms developed to predict the effect of missense changes on protein structure and function (SIFT, PolyPhen-2, Align-GVGD) all suggest that this variant is likely to be disruptive. In summary, the available evidence is currently insufficient to determine the role of this variant in disease. Therefore, it has been classified as a Variant of Uncertain Significance.

HudsonAlpha Institute for Biotechnology
Classification: Likely benign for Early-onset dementia of unclear type. Last evaluated: 2019-10-28. Review status: criteria provided, single submitter. Criteria: ACMG Guidelines, 2015. Collection method: research. Allele origin: unknown. Affected: yes.